The following is an entry in ClinVar:

ClinVar aggregate classification (germline): Uncertain significance (1 of 4 stars; one submission).

Submission:

GeneDx
Classification: Uncertain significance. Last evaluated: 2026-03-24. Review status: criteria provided, single submitter. Criteria: GeneDx Variant Classification Process June 2021. Collection method: clinical testing. Allele origin: germline.
Comment: Not observed at significant frequency in large population cohorts (gnomAD); In silico analysis supports that this missense variant has a deleterious effect on protein structure/function; Has not been previously published as pathogenic or benign to our knowledge

NM_016578.4(RSF1):c.1109A>G (p.Glu370Gly)

Gene: RSF1 (remodeling and spacing factor 1; minus strand). Cytogenetic location: 11q14.1.
Variant type: single nucleotide variant.
Coding change: c.1109A>G on transcript NM_016578.4 (MANE Select); coding-DNA position 1109, A replaced by G.
Protein change: p.Glu370Gly; replaces glutamic acid 370 with glycine.
Molecular consequence: missense variant.
Genome position (GRCh38, 1-based): chr11:77,702,120, T>C on the plus strand (A>G on the coding strand, the complement: RSF1 is on the minus strand). VCF-style: chr11-77702120-T-C. GRCh37 (hg19) VCF-style: chr11-77413165-T-C.
Other names: short protein forms E370G.
Identifiers: ClinVar variation 5017354 (VCV005017354.1).